The following is an entry in ClinVar:

NM_006412.4(AGPAT2):c.720C>T (p.Asp240=)

Gene: AGPAT2 (1-acylglycerol-3-phosphate O-acyltransferase 2; minus strand). Cytogenetic location: 9q34.3.
Variant type: single nucleotide variant.
Coding change: c.720C>T on transcript NM_006412.4 (MANE Select); coding-DNA position 720, C replaced by T.
Protein change: p.Asp240=; no amino-acid change (aspartic acid 240 retained).
Molecular consequence: synonymous variant.
Genome position (GRCh38, 1-based): chr9:136,673,869, G>A on the plus strand (C>T on the coding strand, the complement: AGPAT2 is on the minus strand). VCF-style: chr9-136673869-G-A. GRCh37 (hg19) VCF-style: chr9-139568321-G-A.
Other names: c.624C>T, p.Asp208= (NM_001012727.2).
Identifiers: ClinVar variation 365920 (VCV000365920.8), dbSNP rs142207711, ClinGen allele CA5342842.

ClinVar aggregate classification (germline): Conflicting classifications of pathogenicity. Review status: criteria provided, conflicting classifications (1 of 4 stars). 3 submissions from 3 submitters: Uncertain significance (1); Likely benign (1). 1 of the submissions does not count toward it. Last evaluated 2026-01-20.

Conditions:
AGPAT2-related disorder. Also called: AGPAT2-related condition.
Congenital generalized lipodystrophy type 1 (CGL1). Also called: BRUNZELL SYNDROME, AGPAT2-RELATED; Berardinelli-Seip Congenital Lipodystrophy Type 1. Identifiers: Orphanet 528, Orphanet 696189, MedGen C1720862, MONDO:0012071, OMIM 608594.

Allele frequency attached by ClinVar (database versions not stated): gnomAD exomes 0.00002 and 0.00004; gnomAD 0.00007 and 0.00008; ESP Exome Variant Server 0.00008; TOPMed 0.00009; ExAC 0.00011.
gnomAD v4.1: 43 of 1,603,328 alleles (0.0027%); highest among the groups gnomAD compares: African/African-American, 0.011%; no homozygotes.

Submissions (3):

Labcorp Genetics (formerly Invitae), Labcorp
Classification: Likely benign. Last evaluated: 2026-01-20. Review status: criteria provided, single submitter. Criteria: Invitae Variant Classification Sherloc (09022015). Collection method: clinical testing. Allele origin: germline.

Illumina Laboratory Services, Illumina
Classification: Uncertain significance for Congenital generalized lipodystrophy type 1. Last evaluated: 2018-01-13. Review status: criteria provided, single submitter. Criteria: ICSL Variant Classification Criteria 13 December 2019. Collection method: clinical testing. Allele origin: germline.

PreventionGenetics, part of Exact Sciences
Classification: Likely benign for AGPAT2-related condition. Last evaluated: 2020-02-14. Review status: no assertion criteria provided. Collection method: clinical testing. Allele origin: germline. Not counted in ClinVar's aggregate classification.
Comment: This variant is classified as likely benign based on ACMG/AMP sequence variant interpretation guidelines (Richards et al. 2015 PMID: 25741868, with internal and published modifications).